The following is an entry in ClinVar:

NM_030665.4(RAI1):c.837G>A (p.Gln279=)

Gene: RAI1 (retinoic acid induced 1; plus strand). Cytogenetic location: 17p11.2.
Variant type: single nucleotide variant.
Coding change: c.837G>A on transcript NM_030665.4 (MANE Select); coding-DNA position 837, G replaced by A.
Protein change: p.Gln279=; no amino-acid change (glutamine 279 retained).
Molecular consequence: synonymous variant.
Genome position (GRCh38, 1-based): chr17:17,793,785, G>A. VCF-style: chr17-17793785-G-A. GRCh37 (hg19) VCF-style: chr17-17697099-G-A.
Identifiers: ClinVar variation 96198 (VCV000096198.30), dbSNP rs11078398, ClinGen allele CA149349.

ClinVar aggregate classification (germline): Benign. Review status: criteria provided, multiple submitters, no conflicts (2 of 4 stars). 8 submissions from 8 submitters: Benign (5). 3 of the submissions do not count toward it. Last evaluated 2026-02-01.

Conditions:
RAI1-related disorder. Also called: RAI1-related condition.
Inborn genetic diseases. Identifiers: MedGen C0950123, MeSH D030342.

Allele frequency attached by ClinVar (database versions not stated): gnomAD 0.00357 and 0.00533; gnomAD exomes 0.04894; ExAC 0.05869; ESP Exome Variant Server 0.30074; 1000 Genomes Project 0.54872.

Submissions (8):

Labcorp Genetics (formerly Invitae), Labcorp
Classification: Benign. Last evaluated: 2026-02-01. Review status: criteria provided, single submitter. Criteria: Invitae Variant Classification Sherloc (09022015). Collection method: clinical testing. Allele origin: germline.

Ambry Genetics
Classification: Benign for Inborn genetic diseases. Last evaluated: 2016-03-11. Review status: criteria provided, single submitter. Criteria: Ambry Variant Classification Scheme 2023. Collection method: clinical testing. Allele origin: germline.

Genetic Services Laboratory, University of Chicago
Classification: Benign for AllHighlyPenetrant. Last evaluated: 2014-03-18. Review status: criteria provided, single submitter. Criteria: ACMG Guidelines, 2007. Collection method: clinical testing. Allele origin: germline. Inheritance: Autosomal dominant inheritance.

Eurofins Ntd Llc (ga)
Classification: Benign. Last evaluated: 2013-08-15. Review status: criteria provided, single submitter. Criteria: EGL Classification Definitions 2015. Collection method: clinical testing. Allele origin: germline. Observed: 56 variant alleles, 46 heterozygotes, 10 homozygotes.

Breakthrough Genomics
Classification: Benign. Review status: criteria provided, single submitter. Criteria: ACMG Guidelines, 2015. Collection method: not provided. Allele origin: germline. Inheritance: Autosomal dominant inheritance. Affected: yes.

PreventionGenetics, part of Exact Sciences
Classification: Benign for RAI1-related condition. Last evaluated: 2022-06-20. Review status: no assertion criteria provided. Collection method: clinical testing. Allele origin: germline. Not counted in ClinVar's aggregate classification.
Comment: This variant is classified as benign based on ACMG/AMP sequence variant interpretation guidelines (Richards et al. 2015 PMID: 25741868, with internal and published modifications).

Diagnostic Laboratory, Department of Genetics, University Medical Center Groningen
Classification: Benign. Review status: no assertion criteria provided. Collection method: clinical testing. Allele origin: germline. Affected: yes. Study: VKGL Data-share Consensus. Not counted in ClinVar's aggregate classification.

Joint Genome Diagnostic Labs from Nijmegen and Maastricht, Radboudumc and MUMC+
Classification: Benign. Review status: no assertion criteria provided. Collection method: clinical testing. Allele origin: germline. Affected: yes. Study: VKGL Data-share Consensus. Not counted in ClinVar's aggregate classification.